The following is an entry in ClinVar:

NM_004360.5(CDH1):c.1462C>G (p.Pro488Ala)

Gene: CDH1 (cadherin 1; plus strand). Cytogenetic location: 16q22.1.
Variant type: single nucleotide variant.
Coding change: c.1462C>G on transcript NM_004360.5 (MANE Select); coding-DNA position 1462, C replaced by G.
Protein change: p.Pro488Ala; replaces proline 488 with alanine.
Molecular consequence: missense variant. On other transcripts: 5 prime UTR variant (2).
Genome position (GRCh38, 1-based): chr16:68,815,656, C>G. VCF-style: chr16-68815656-C-G. GRCh37 (hg19) VCF-style: chr16-68849559-C-G.
Other names: c.1462C>G (LRG_301t1); c.1279C>G, p.Pro427Ala (NM_001317184.2); c.-87C>G (NM_001317185.2); c.-358C>G (NM_001317186.2); short protein forms P488A, P427A.
Identifiers: ClinVar variation 581384 (VCV000581384.10), dbSNP rs1555516144, ClinGen allele CA396463109.

ClinVar aggregate classification (germline): Uncertain significance. Review status: criteria provided, multiple submitters, no conflicts (2 of 4 stars). 2 submissions from 2 submitters: Uncertain significance (2). Last evaluated 2024-06-18.

Conditions:
Hereditary diffuse gastric adenocarcinoma (HDGC). Also called: DIFFUSE GASTRIC AND LOBULAR BREAST CANCER SYNDROME. Identifiers: Orphanet 26106, MedGen C1708349, MONDO:0007648, OMIM 137215.
Hereditary cancer-predisposing syndrome. Also called: Neoplastic Syndromes, Hereditary; Hereditary Cancer Syndrome; Tumor predisposition; Hereditary neoplastic syndrome. Identifiers: Orphanet 140162, MedGen C0027672, MeSH D009386, MONDO:0015356.

gnomAD v4.1: 2 of 1,614,188 alleles (0.00012%); highest among the groups gnomAD compares: Non-Finnish European, 0.000085%; no homozygotes.

Submissions (2):

Ambry Genetics
Classification: Uncertain significance for Hereditary cancer-predisposing syndrome. Last evaluated: 2024-06-18. Review status: criteria provided, single submitter. Criteria: Ambry Variant Classification Scheme 2023. Collection method: clinical testing. Allele origin: germline.
Comment: The p.P488A variant (also known as c.1462C>G), located in coding exon 10 of the CDH1 gene, results from a C to G substitution at nucleotide position 1462. The proline at codon 488 is replaced by alanine, an amino acid with highly similar properties. This amino acid position is highly conserved in available vertebrate species. In addition, the in silico prediction for this alteration is inconclusive. Based on the available evidence, the clinical significance of this variant remains unclear.

Labcorp Genetics (formerly Invitae), Labcorp
Classification: Uncertain significance for Hereditary diffuse gastric adenocarcinoma. Last evaluated: 2023-03-21. Review status: criteria provided, single submitter. Criteria: Invitae Variant Classification Sherloc (09022015). Collection method: clinical testing. Allele origin: germline.
Comment: This variant is not present in population databases (gnomAD no frequency). This sequence change replaces proline, which is neutral and non-polar, with alanine, which is neutral and non-polar, at codon 488 of the CDH1 protein (p.Pro488Ala). This variant has not been reported in the literature in individuals affected with CDH1-related conditions. In summary, the available evidence is currently insufficient to determine the role of this variant in disease. Therefore, it has been classified as a Variant of Uncertain Significance. An algorithm developed to predict the effect of missense changes on protein structure and function (PolyPhen-2) suggests that this variant is likely to be disruptive. ClinVar contains an entry for this variant (Variation ID: 581384).